The following is an entry in ClinVar:

ClinVar aggregate classification (germline): Likely benign. Review status: criteria provided, multiple submitters, no conflicts (2 of 4 stars). 2 submissions from 2 submitters: Likely benign (2). Last evaluated 2024-09-29.

Allele frequency attached by ClinVar (database versions not stated): gnomAD 0.00003; TOPMed 0.00005; 1000 Genomes Project 30x 0.00016; 1000 Genomes Project 0.00020.
gnomAD v4.1: 80 of 1,611,760 alleles (0.005%); highest among the groups gnomAD compares: Admixed American, 0.022%; no homozygotes.

Submissions (2):

Labcorp Genetics (formerly Invitae), Labcorp
Classification: Likely benign. Last evaluated: 2024-09-29. Review status: criteria provided, single submitter. Criteria: Invitae Variant Classification Sherloc (09022015). Collection method: clinical testing. Allele origin: germline.

GeneDx
Classification: Likely benign. Last evaluated: 2017-11-13. Review status: criteria provided, single submitter. Criteria: GeneDx Variant Classification (06012015). Collection method: clinical testing. Allele origin: germline. Affected: yes.
Comment: This variant is considered likely benign or benign based on one or more of the following criteria: it is a conservative change, it occurs at a poorly conserved position in the protein, it is predicted to be benign by multiple in silico algorithms, and/or has population frequency not consistent with disease.

NM_001277062.2(MFF):c.600-17G>A

Gene: MFF (mitochondrial fission factor; plus strand). Cytogenetic location: 2q36.3.
Variant type: single nucleotide variant.
Coding change: c.600-17G>A on transcript NM_001277062.2 (MANE Select); 17 bases into the intron before coding-DNA position 600, G replaced by A.
Molecular consequence: intron variant.
Genome position (GRCh38, 1-based): chr2:227,352,497, G>A. VCF-style: chr2-227352497-G-A. GRCh37 (hg19) VCF-style: chr2-228217213-G-A.
Other names: c.753-17G>A (NM_001277061.2, NM_020194.5); c.516-3180G>A (NM_001277063.2); c.441-17G>A (NM_001277064.2); c.441-3180G>A (NM_001277065.2, NM_001277066.2); c.450-3180G>A (NM_001277067.1); c.483-17G>A (NM_001277068.1).
Identifiers: ClinVar variation 513096 (VCV000513096.4), dbSNP rs552639632, ClinGen allele CA2148004.